The following is an entry in ClinVar:

ClinVar aggregate classification (germline): Pathogenic (1 of 4 stars; one submission).

Submission:

Mayo Clinic Laboratories, Mayo Clinic
Classification: Pathogenic. Last evaluated: 2023-11-06. Review status: criteria provided, single submitter. Criteria: ACMG Guidelines, 2015. Collection method: clinical testing. Allele origin: germline. Observed: 2 variant alleles.
Comment: PP1, PM2, PS3, PS4

Literature cited by the submitters: PubMed 21643010; PubMed 23725351; PubMed 24946964; PubMed 25243319.

NM_001127511.3(APC):c.-38_165+37del

Gene: APC (APC regulator of WNT signaling pathway; plus strand). Cytogenetic location: 5q22.2.
Variant type: Deletion.
Coding change: c.-38_165+37del on transcript NM_001127511.3; 38 bases upstream of the start codon through 37 bases into the intron after coding-DNA position 165, 240 bases deleted.
Molecular consequence: splice donor variant, initiator codon variant. On other transcripts: intron variant (5), genic upstream transcript variant (1).
Genome position (GRCh38, 1-based): chr5:112,707,680-112,707,919, 240 bases deleted. GRCh37 (hg19): chr5:112,043,377-112,043,616.
Other names: c.-1256_-1054+37del (NM_001407470.1, NM_001407472.1); c.-221_-19+37del (NM_001407447.1, NM_001354895.2, NM_001407456.1 and 3 more transcripts); c.-38_165+37del (NM_001407446.1, NM_001354897.2, NM_001354902.2); c.-19+31_-19+270del (NM_001407448.1, NM_001407450.1, NM_001407457.1 and 1 more transcripts); c.-43+31_-43+270del (NM_001407453.1); c.-30264_-30025del (NM_000038.6).
Identifiers: ClinVar variation 3380994 (VCV003380994.1).